The following is an entry in ClinVar:

ClinVar aggregate classification (germline): Pathogenic (1 of 4 stars; one submission).

Submission:

ISCA site 15
Classification: Pathogenic. Last evaluated: 2011-08-12. Review status: criteria provided, single submitter. Criteria: Kaminsky et al. (Genet Med. 2011). Collection method: clinical testing. Allele origin: de novo. Affected: yes. Observed: 1 variant allele.
Comment: Copy number variation identified through the course of routine clinical cytogenomic testing in postnatal populations. Clinical assertions have been curated as described in Kaminsky et al. 2011.

GRCh38/hg38 15q11.2-13.1(chr15:23411789-28281294)x3

Genes: ATP10A (ATPase phospholipid transporting 10A (putative); minus strand), ATP10A-DT (ATP10A divergent transcript; plus strand), GABRA5 (gamma-aminobutyric acid type A receptor subunit alpha5; plus strand), GABRB3 (gamma-aminobutyric acid type A receptor subunit beta3; minus strand), GABRG3 (gamma-aminobutyric acid type A receptor subunit gamma3; plus strand) and 138 more. Cytogenetic location: 15q11.2-13.1.
Variant type: copy number gain.
Change: copy number 3 (three copies instead of two) of chr15:23,411,789-28,281,294 (4.87 Mb, GRCh38 coordinates, 1-based), cytogenetic band 15q11.2-13.1.
Identifiers: ClinVar variation 58075 (VCV000058075.1).